The following is an entry in ClinVar:

ClinVar aggregate classification (germline): Uncertain significance (1 of 4 stars; one submission).

gnomAD v4.1: 10 of 1,614,044 alleles (0.00062%); highest among the groups gnomAD compares: Admixed American, 0.0017%; no homozygotes.

Submission:

Labcorp Genetics (formerly Invitae), Labcorp
Classification: Uncertain significance. Last evaluated: 2025-06-16. Review status: criteria provided, single submitter. Criteria: Invitae Variant Classification Sherloc (09022015). Collection method: clinical testing. Allele origin: germline.
Comment: This sequence change replaces arginine, which is basic and polar, with cysteine, which is neutral and slightly polar, at codon 532 of the JAK1 protein (p.Arg532Cys). This variant is present in population databases (rs773295685, gnomAD 0.01%). This variant has not been reported in the literature in individuals affected with JAK1-related conditions. ClinVar contains an entry for this variant (Variation ID: 3623827). Invitae Evidence Modeling of protein sequence and biophysical properties (such as structural, functional, and spatial information, amino acid conservation, physicochemical variation, residue mobility, and thermodynamic stability) indicates that this missense variant is not expected to disrupt JAK1 protein function with a negative predictive value of 80%. In summary, the available evidence is currently insufficient to determine the role of this variant in disease. Therefore, it has been classified as a Variant of Uncertain Significance.

NM_002227.4(JAK1):c.1594C>T (p.Arg532Cys)

Gene: JAK1 (Janus kinase 1; minus strand). Cytogenetic location: 1p31.3.
Variant type: single nucleotide variant.
Coding change: c.1594C>T on transcript NM_002227.4 (MANE Select); coding-DNA position 1594, C replaced by T.
Protein change: p.Arg532Cys; replaces arginine 532 with cysteine.
Molecular consequence: missense variant.
Genome position (GRCh38, 1-based): chr1:64,855,563, G>A on the plus strand (C>T on the coding strand, the complement: JAK1 is on the minus strand). VCF-style: chr1-64855563-G-A. GRCh37 (hg19) VCF-style: chr1-65321246-G-A.
Other names: c.1594C>T, p.Arg532Cys (NM_001320923.2, NM_001321852.2, NM_001321853.2 and 3 more transcripts); c.1591C>T, p.Arg531Cys (NM_001321857.2); short protein forms R531C, R532C.
Identifiers: ClinVar variation 3623827 (VCV003623827.2).
Genomic context (GRCh38, chr1:64,855,563, plus strand): 5'-ACGAACCTCGGGGCTTGGGCTGGCAGCAGCGTTTTAGCATGAAGCTGATGTTATCCGTGC[G>A]CAGGATCTGCTTCTTGAGGTGGCTCATGAGGTCTCCCAAGCTGGGGAAGCTGCGGTCCGA-3'
Protein context (NP_002218.2, residues 522-542): LMSHLKKQIL[Arg532Cys]TDNISFMLKR